The following is an entry in ClinVar:

NM_015915.5(ATL1):c.1173C>G (p.His391Gln)

Gene: ATL1 (atlastin GTPase 1; plus strand). Cytogenetic location: 14q22.1.
Variant type: single nucleotide variant.
Coding change: c.1173C>G on transcript NM_015915.5 (MANE Select); coding-DNA position 1173, C replaced by G.
Protein change: p.His391Gln; replaces histidine 391 with glutamine.
Molecular consequence: missense variant.
Genome position (GRCh38, 1-based): chr14:50,628,084, C>G. VCF-style: chr14-50628084-C-G. GRCh37 (hg19) VCF-style: chr14-51094802-C-G.
Other names: c.1173C>G, p.His391Gln (NM_001127713.1, NM_181598.4); short protein forms H391Q.
Identifiers: ClinVar variation 388091 (VCV000388091.6), dbSNP rs149340140, ClinGen allele CA16606991.

ClinVar aggregate classification (germline): Uncertain significance. Review status: criteria provided, multiple submitters, no conflicts (2 of 4 stars). 2 submissions from 2 submitters: Uncertain significance (2). Last evaluated 2024-08-12.

Conditions:
Hereditary spastic paraplegia 3A (SPG3A). Also called: Spastic Paraplegia 3A; Spastic paraplegia 3A, autosomal dominant; SPASTIC PARAPLEGIA 3, AUTOSOMAL DOMINANT; FAMILIAL SPASTIC PARAPLEGIA, AUTOSOMAL DOMINANT, 1; SPG3; STRUMPELL DISEASE. Identifiers: Orphanet 100984, MedGen C2931355, MONDO:0008437, OMIM 182600.

Allele frequency attached by ClinVar (database versions not stated): TOPMed 0.00001.
gnomAD v4.1: 2 of 1,614,024 alleles (0.00012%); highest among the groups gnomAD compares: Non-Finnish European, 0.00017%; no homozygotes.

Submissions (2):

Labcorp Genetics (formerly Invitae), Labcorp
Classification: Uncertain significance for Hereditary spastic paraplegia 3A. Last evaluated: 2024-08-12. Review status: criteria provided, single submitter. Criteria: Invitae Variant Classification Sherloc (09022015). Collection method: clinical testing. Allele origin: germline.
Comment: This sequence change replaces histidine, which is basic and polar, with glutamine, which is neutral and polar, at codon 391 of the ATL1 protein (p.His391Gln). This variant is not present in population databases (gnomAD no frequency). This variant has not been reported in the literature in individuals affected with ATL1-related conditions. ClinVar contains an entry for this variant (Variation ID: 388091). Advanced modeling of protein sequence and biophysical properties (such as structural, functional, and spatial information, amino acid conservation, physicochemical variation, residue mobility, and thermodynamic stability) performed at Invitae indicates that this missense variant is expected to disrupt ATL1 protein function with a positive predictive value of 80%. In summary, the available evidence is currently insufficient to determine the role of this variant in disease. Therefore, it has been classified as a Variant of Uncertain Significance.

GeneDx
Classification: Uncertain significance. Last evaluated: 2016-07-25. Review status: criteria provided, single submitter. Criteria: GeneDx Variant Classification (06012015). Collection method: clinical testing. Allele origin: germline. Affected: yes.
Comment: A variant of uncertain significance has been identified in the ATL1 gene. The H391Q variant has not been published as a pathogenic variant, nor has it been reported as a benign variant to our knowledge. It was not observed in approximately 6,500 individuals of European and African American ancestry in the NHLBI Exome Sequencing Project, indicating it is not a common benign variant in these populations. The H391Q variant is a semi-conservative amino acid substitution, which may impact secondary protein structure as these residues differ in some properties. This substitution occurs at a position that is conserved across species and in silico analysis predicts this variant is probably damaging to the protein structure/function. However, missense variants in nearby residues have not been reported in the Human Gene Mutation Database in association with ATL1-related disorder (Stenson et al., 2014). Therefore, based on the currently available information, it is unclear whether this variant is a pathogenic variant or a rare benign variant.